The following is an entry in ClinVar:

ClinVar aggregate classification (germline): Likely pathogenic (0 of 4 stars; one submission).

Conditions:
TUBA1A-related disorder. Also called: TUBA1A-related condition.

Submission:

PreventionGenetics, part of Exact Sciences
Classification: Likely pathogenic for TUBA1A-related condition. Last evaluated: 2024-05-17. Review status: no assertion criteria provided. Collection method: clinical testing. Allele origin: germline.
Comment: The TUBA1A c.1159G>A variant is predicted to result in the amino acid substitution p.Ala387Thr. To our knowledge, this variant has not been reported in the literature or in a large population database, indicating it is rare. Of note, another missense variant affecting the same amino acid (p.Ala387Val) has been reported to be pathogenic for brain malformation (Romaniello et al. 2017. PubMed ID: 28677066). This variant is interpreted as likely pathogenic.

NM_006009.4(TUBA1A):c.1159G>A (p.Ala387Thr)

Gene: TUBA1A (tubulin alpha 1a; minus strand). Cytogenetic location: 12q13.12.
Variant type: single nucleotide variant.
Coding change: c.1159G>A on transcript NM_006009.4 (MANE Select); coding-DNA position 1159, G replaced by A.
Protein change: p.Ala387Thr; replaces alanine 387 with threonine.
Molecular consequence: missense variant.
Genome position (GRCh38, 1-based): chr12:49,185,207, C>T on the plus strand (G>A on the coding strand, the complement: TUBA1A is on the minus strand). VCF-style: chr12-49185207-C-T. GRCh37 (hg19) VCF-style: chr12-49578990-C-T.
Other names: c.1159G>A, p.Ala387Thr (NM_001270399.2); c.1054G>A, p.Ala352Thr (NM_001270400.2); short protein forms A352T, A387T.
Identifiers: ClinVar variation 3348491 (VCV003348491.1).